The following is an entry in ClinVar:

ClinVar aggregate classification (germline): Uncertain significance (1 of 4 stars; one submission).

Conditions:
PKD1-related disorder. Also called: PKD1-related condition.

Submission:

PreventionGenetics, part of Exact Sciences
Classification: Uncertain significance for PKD1-related condition. Last evaluated: 2026-06-02. Review status: criteria provided, single submitter. Criteria: ACMG Guidelines, 2015. Collection method: clinical testing. Allele origin: germline.
Comment: The PKD1 c.1847C>G variant is predicted to result in the amino acid substitution p.Ala616Gly. This variant is also predicted to alter splicing based on available splicing prediction programs (Alamut Visual Plus v13.1; SpliceAI, Jaganathan et al. 2019. PubMed ID: 30661751). However, the use of computer prediction programs is not equivalent to functional evidence. To our knowledge, this variant has not been reported in the literature or in a large population database (gnomAD), indicating this variant is rare. At this time, the clinical significance of this variant is uncertain due to the absence of conclusive functional and genetic evidence.

NM_001009944.3(PKD1):c.1847C>G (p.Ala616Gly)

Gene: PKD1 (polycystin 1, transient receptor potential channel interacting; minus strand). Cytogenetic location: 16p13.3.
Variant type: single nucleotide variant.
Coding change: c.1847C>G on transcript NM_001009944.3 (MANE Select); coding-DNA position 1847, C replaced by G.
Protein change: p.Ala616Gly; replaces alanine 616 with glycine.
Molecular consequence: missense variant.
Genome position (GRCh38, 1-based): chr16:2,115,994, G>C on the plus strand (C>G on the coding strand, the complement: PKD1 is on the minus strand). VCF-style: chr16-2115994-G-C. GRCh37 (hg19) VCF-style: chr16-2165995-G-C.
Other names: c.1847C>G, p.Ala616Gly (NM_000296.4); short protein forms A616G.
Identifiers: ClinVar variation 4996315 (VCV004996315.1).